The following is an entry in ClinVar:

NM_001369.3(DNAH5):c.9460_9461insGTTTTTCT (p.Asp3154fs)

Gene: DNAH5 (dynein axonemal heavy chain 5; minus strand). Cytogenetic location: 5p15.2.
Variant type: Insertion.
Coding change: c.9460_9461insGTTTTTCT on transcript NM_001369.3 (MANE Select); coding-DNA positions 9460 to 9461, GTTTTTCT inserted.
Protein change: p.Asp3154fs; shifts the reading frame from aspartic acid 3154.
Molecular consequence: frameshift variant.
Genome position: GRCh38 VCF-style: chr5-13770893-T-TAGAAAAAC. GRCh37 (hg19) VCF-style: chr5-13771002-T-TAGAAAAAC.
Other names: short protein forms D3154fs.
Identifiers: ClinVar variation 5012447 (VCV005012447.1).

ClinVar aggregate classification (germline): Pathogenic (1 of 4 stars; one submission).

Conditions:
Primary ciliary dyskinesia 3. Identifiers: Orphanet 244, MedGen C1837618, MONDO:0012085, OMIM 608644.

Submission:

Myriad Genetics, Inc.
Classification: Pathogenic for Primary ciliary dyskinesia 3. Last evaluated: 2024-05-14. Review status: criteria provided, single submitter. Criteria: Myriad Autosomal Dominant, Autosomal Recessive and X-Linked Classification Criteria (2023). Collection method: clinical testing. Allele origin: unknown.
Comment: NM_001369.2(DNAH5):c.9460_9461ins8(D3154Gfs*23) is expected to be pathogenic in the context of primary ciliary dyskinesia, DNAH5-related. This variant is predicted to lead to an abnormal or absent protein product due to the creation of a premature termination codon in DNAH5, a gene where loss-of-function variants are known to be pathogenic. Please note: this variant was assessed in the context of healthy population screening.